The following is an entry in ClinVar:

NM_017777.4(MKS1):c.1494C>A (p.Ala498=)

Gene: MKS1 (MKS transition zone complex subunit 1; minus strand). Cytogenetic location: 17q22.
Variant type: single nucleotide variant.
Coding change: c.1494C>A on transcript NM_017777.4 (MANE Select); coding-DNA position 1494, C replaced by A.
Protein change: p.Ala498=; no amino-acid change (alanine 498 retained).
Molecular consequence: synonymous variant. On other transcripts: missense variant (2).
Genome position (GRCh38, 1-based): chr17:58,206,377, G>T on the plus strand (C>A on the coding strand, the complement: MKS1 is on the minus strand). VCF-style: chr17-58206377-G-T. GRCh37 (hg19) VCF-style: chr17-56283738-G-T.
Other names: c.885C>A, p.Ala295= (NM_001321268.2); c.1411C>A, p.Leu471Ile (NM_001321269.2); c.1277C>A, p.Pro426His (NM_001330397.2); short protein forms L471I, P426H.
Identifiers: ClinVar variation 3352393 (VCV003352393.1).

ClinVar aggregate classification (germline): Uncertain significance (0 of 4 stars; one submission).

Conditions:
MKS1-related disorder. Also called: MKS1-related condition; MKS1-related disorders. Identifiers: MedGen CN239382.

Submission:

PreventionGenetics, part of Exact Sciences
Classification: Uncertain significance for MKS1-related condition. Last evaluated: 2024-05-09. Review status: no assertion criteria provided. Collection method: clinical testing. Allele origin: germline.
Comment: The MKS1 c.1411C>A variant is predicted to result in the amino acid substitution p.Leu471Ile. To our knowledge, this variant has not been reported in the literature or in a large population database, indicating this variant is rare. At this time, the clinical significance of this variant is uncertain due to the absence of conclusive functional and genetic evidence.